The following is an entry in ClinVar:

NM_001161352.2(KCNMA1):c.363C>T (p.Cys121=)

Gene: KCNMA1 (potassium calcium-activated channel subfamily M alpha 1; minus strand). Cytogenetic location: 10q22.3.
Variant type: single nucleotide variant.
Coding change: c.363C>T on transcript NM_001161352.2 (MANE Select); coding-DNA position 363, C replaced by T.
Protein change: p.Cys121=; no amino-acid change (cysteine 121 retained).
Molecular consequence: synonymous variant.
Genome position (GRCh38, 1-based): chr10:77,637,280, G>A on the plus strand (C>T on the coding strand, the complement: KCNMA1 is on the minus strand). VCF-style: chr10-77637280-G-A. GRCh37 (hg19) VCF-style: chr10-79397038-G-A.
Other names: c.363C>T, p.Cys121= (NM_001014797.3, NM_001161353.2, NM_001271518.2 and 12 more transcripts).
Identifiers: ClinVar variation 716583 (VCV000716583.27), dbSNP rs141758134, ClinGen allele CA5568762.

ClinVar aggregate classification (germline): Likely benign. Review status: criteria provided, multiple submitters, no conflicts (2 of 4 stars). 4 submissions from 4 submitters: Likely benign (3). 1 of the submissions does not count toward it. Last evaluated 2025-11-03.

Conditions:
KCNMA1-related disorder. Also called: KCNMA1-related condition; KCNMA1-related disorders.
Generalized epilepsy-paroxysmal dyskinesia syndrome (PNKD3). Also called: Generalized epilepsy and paroxysmal dyskinesia; Paroxysmal nonkinesigenic dyskinesia, 3, with or without generalized epilepsy. Identifiers: Orphanet 79137, MedGen C5574945, MONDO:0012276, OMIM 609446.

Allele frequency attached by ClinVar (database versions not stated): gnomAD exomes 0.00009; ExAC 0.00011; gnomAD 0.00011; TOPMed 0.00012; ESP Exome Variant Server 0.00015.
gnomAD v4.1: 158 of 1,608,418 alleles (0.0098%); highest among the groups gnomAD compares: Admixed American, 0.015%; no homozygotes.

Submissions (4):

Labcorp Genetics (formerly Invitae), Labcorp
Classification: Likely benign for Generalized epilepsy-paroxysmal dyskinesia syndrome. Last evaluated: 2025-11-03. Review status: criteria provided, single submitter. Criteria: Invitae Variant Classification Sherloc (09022015). Collection method: clinical testing. Allele origin: germline.

CeGaT Center for Human Genetics Tuebingen
Classification: Likely benign. Last evaluated: 2025-01-01. Review status: criteria provided, single submitter. Criteria: CeGaT Center For Human Genetics Tuebingen Variant Classification Criteria Version 2. Collection method: clinical testing. Allele origin: germline. Affected: yes. Observed: 1 variant allele.
Comment: KCNMA1: BP4, BP7

Blueprint Genetics
Classification: Likely benign. Last evaluated: 2024-04-16. Review status: criteria provided, single submitter. Criteria: ACMG Guidelines, 2015. Collection method: clinical testing. Allele origin: germline.

PreventionGenetics, part of Exact Sciences
Classification: Likely benign for KCNMA1-related condition. Last evaluated: 2022-11-29. Review status: no assertion criteria provided. Collection method: clinical testing. Allele origin: germline. Not counted in ClinVar's aggregate classification.
Comment: This variant is classified as likely benign based on ACMG/AMP sequence variant interpretation guidelines (Richards et al. 2015 PMID: 25741868, with internal and published modifications).